The following is an entry in ClinVar:

NM_170707.4(LMNA):c.*3del

Gene: LMNA (lamin A/C; plus strand). Cytogenetic location: 1q22.
Variant type: Deletion.
Coding change: c.*3del on transcript NM_170707.4 (MANE Select); 3 bases downstream of the stop codon, one base deleted (T; older notation c.*3delT).
Molecular consequence: 3 prime UTR variant. On other transcripts: intron variant (4).
Genome position (GRCh38, 1-based): chr1:156,139,109, T deleted. VCF-style (leftmost placement, unchanged base first): chr1-156139108-CT-C. GRCh37 (hg19) VCF-style: chr1-156108899-CT-C.
Other names: c.*3del (NM_001282626.2, NM_001406983.1, NM_001406986.1 and 12 more transcripts); c.1367+7del (NM_001406994.1); c.1991+7del (NM_001406985.1); c.1433+7del (NM_001406990.1); c.1655+7del (NM_001257374.3).
Identifiers: ClinVar variation 4757536 (VCV004757536.1).
Genomic context (GRCh38, chr1:156,139,108, plus strand): 5'-CTCACACCTCTCTCCTCTGTTTTCTCTCTTAGAGCCCCCAGAACTGCAGCATCATGTAAT[CT>C]GGGACCTGCCAGGCAGGGGTGGGGGTGGAGGCTTCCTGCGTCCTCCTCACCTCATGCCCA-3'

ClinVar aggregate classification (germline): Uncertain significance (1 of 4 stars; one submission).

Conditions:
Cardiomyopathy (CMYO). Also called: Cardiomyopathies. Identifiers: Orphanet 167848, MedGen C0878544, MONDO:0004994, HP:0001638. Inheritance: Various modes of inheritance.

Submission:

Color Diagnostics, LLC DBA Color Health
Classification: Uncertain significance for Cardiomyopathy. Last evaluated: 2025-06-30. Review status: criteria provided, single submitter. Criteria: ACMG Guidelines, 2015. Collection method: clinical testing. Allele origin: germline.
Comment: This variant is located in the 3' untranslated region of the LMNA gene. To our knowledge, functional studies have not been reported for this variant. This variant has not been reported in individuals affected with LMNA-related disorders in the literature. This variant has not been identified in the general population by the Genome Aggregation Database (gnomAD). The available evidence is insufficient to determine the role of this variant in disease conclusively. Therefore, this variant is classified as a Variant of Uncertain Significance.